The following is an entry in ClinVar:

NM_000548.5(TSC2):c.4961G>A (p.Gly1654Asp)

Gene: TSC2 (TSC complex subunit 2; plus strand). Cytogenetic location: 16p13.3.
Variant type: single nucleotide variant.
Coding change: c.4961G>A on transcript NM_000548.5 (MANE Select); coding-DNA position 4961, G replaced by A.
Protein change: p.Gly1654Asp; replaces glycine 1654 with aspartic acid.
Molecular consequence: missense variant.
Genome position (GRCh38, 1-based): chr16:2,086,843, G>A. VCF-style: chr16-2086843-G-A. GRCh37 (hg19) VCF-style: chr16-2136844-G-A.
Other names: c.4760G>A, p.Gly1587Asp (NM_001077183.3); c.4892G>A, p.Gly1631Asp (NM_001114382.3); c.4652G>A, p.Gly1551Asp (NM_001318827.2); c.4616G>A, p.Gly1539Asp (NM_001318829.2); c.4229G>A, p.Gly1410Asp (NM_001318831.2); c.4793G>A, p.Gly1598Asp (NM_001318832.2); c.4763G>A, p.Gly1588Asp (NM_001363528.2); c.4829G>A, p.Gly1610Asp (NM_001370404.1); and 26 more; short protein forms G1163D, G1454D, G1551D, G1581D, G1582D, G1588D, G1628D, G1053D.
Identifiers: ClinVar variation 2184095 (VCV002184095.5), dbSNP rs1555438692, ClinGen allele CA394308952.

ClinVar aggregate classification (germline): Uncertain significance. Review status: criteria provided, multiple submitters, no conflicts (2 of 4 stars). 2 submissions from 2 submitters: Uncertain significance (2). Last evaluated 2025-09-02.

Conditions:
Tuberous sclerosis 2 (TSC2). Identifiers: Orphanet 805, MedGen C1860707, MONDO:0013199, OMIM 613254.
Hereditary cancer-predisposing syndrome. Also called: Neoplastic Syndromes, Hereditary; Tumor predisposition; Hereditary Cancer Syndrome; Hereditary neoplastic syndrome. Identifiers: Orphanet 140162, MedGen C0027672, MeSH D009386, MONDO:0015356.

gnomAD v4.1: 1 of 1,603,310 alleles (0.000062%); highest among the groups gnomAD compares: Non-Finnish European, 0.000085%; no homozygotes.

Submissions (2):

Ambry Genetics
Classification: Uncertain significance for Hereditary cancer-predisposing syndrome. Last evaluated: 2025-09-02. Review status: criteria provided, single submitter. Criteria: Ambry Variant Classification Scheme 2023. Collection method: clinical testing. Allele origin: germline.
Comment: The p.G1654D variant (also known as c.4961G>A), located in coding exon 37 of the TSC2 gene, results from a G to A substitution at nucleotide position 4961. The glycine at codon 1654 is replaced by aspartic acid, an amino acid with similar properties. This amino acid position is conserved. In addition, this alteration is predicted to be deleterious by in silico analysis. Based on the available evidence, the clinical significance of this variant remains unclear.

Labcorp Genetics (formerly Invitae), Labcorp
Classification: Uncertain significance for Tuberous sclerosis 2. Last evaluated: 2024-10-26. Review status: criteria provided, single submitter. Criteria: Invitae Variant Classification Sherloc (09022015). Collection method: clinical testing. Allele origin: germline.
Comment: This sequence change replaces glycine, which is neutral and non-polar, with aspartic acid, which is acidic and polar, at codon 1654 of the TSC2 protein (p.Gly1654Asp). This variant is not present in population databases (gnomAD no frequency). This variant has not been reported in the literature in individuals affected with TSC2-related conditions. ClinVar contains an entry for this variant (Variation ID: 2184095). Invitae Evidence Modeling of protein sequence and biophysical properties (such as structural, functional, and spatial information, amino acid conservation, physicochemical variation, residue mobility, and thermodynamic stability) indicates that this missense variant is not expected to disrupt TSC2 protein function with a negative predictive value of 95%. In summary, the available evidence is currently insufficient to determine the role of this variant in disease. Therefore, it has been classified as a Variant of Uncertain Significance.